The following is an entry in ClinVar:

ClinVar aggregate classification (germline): Uncertain significance (1 of 4 stars; one submission).

Conditions:
Inborn genetic diseases. Identifiers: MedGen C0950123, MeSH D030342.

Submission:

Ambry Genetics
Classification: Uncertain significance for Inborn genetic diseases. Last evaluated: 2025-01-05. Review status: criteria provided, single submitter. Criteria: Ambry Variant Classification Scheme 2023. Collection method: clinical testing. Allele origin: germline.
Comment: The p.K487N variant (also known as c.1461A>T), located in coding exon 13 of the KDM1A gene, results from an A to T substitution at nucleotide position 1461. The lysine at codon 487 is replaced by asparagine, an amino acid with similar properties. This amino acid position is conserved. In addition, this alteration is predicted to be tolerated by in silico analysis. Based on the available evidence, the clinical significance of this variant remains unclear.

NM_001009999.3(KDM1A):c.1461A>T (p.Lys487Asn)

Gene: KDM1A (lysine demethylase 1A; plus strand). Cytogenetic location: 1p36.12.
Variant type: single nucleotide variant.
Coding change: c.1461A>T on transcript NM_001009999.3 (MANE Select); coding-DNA position 1461, A replaced by T.
Protein change: p.Lys487Asn; replaces lysine 487 with asparagine.
Molecular consequence: missense variant.
Genome position (GRCh38, 1-based): chr1:23,071,272, A>T. VCF-style: chr1-23071272-A-T. GRCh37 (hg19) VCF-style: chr1-23397765-A-T.
Other names: c.1389A>T, p.Lys463Asn (NM_001363654.2, NM_001410763.1, NM_015013.4); c.1449A>T, p.Lys483Asn (NM_001410762.1); short protein forms K483N, K487N, K463N.
Identifiers: ClinVar variation 3863248 (VCV003863248.1).